The following is an entry in ClinVar:

ClinVar aggregate classification (germline): Uncertain significance (1 of 4 stars; one submission).

Conditions:
OPTN-related disorder. Also called: OPTN-related condition; OPTN-related disorders.

Allele frequency attached by ClinVar (database versions not stated): TOPMed 0.00001; gnomAD exomes below 0.00001; gnomAD 0.00001.
gnomAD v4.1: 7 of 1,613,480 alleles (0.00043%); highest among the groups gnomAD compares: Non-Finnish European, 0.00051%; no homozygotes.

Submission:

PreventionGenetics, part of Exact Sciences
Classification: Uncertain significance for OPTN-related condition. Last evaluated: 2023-02-07. Review status: criteria provided, single submitter. Criteria: ACMG Guidelines, 2015. Collection method: clinical testing. Allele origin: germline.
Comment: The OPTN c.608G>C variant is predicted to result in the amino acid substitution p.Arg203Thr. To our knowledge, this variant has not been reported in the literature. This variant is reported in 0.00088% of alleles in individuals of European (Non-Finnish) descent in gnomAD. At this time, the clinical significance of this variant is uncertain due to the absence of conclusive functional and genetic evidence.

NM_001008212.2(OPTN):c.608G>C (p.Arg203Thr)

Gene: OPTN (optineurin; plus strand). Cytogenetic location: 10p13.
Variant type: single nucleotide variant.
Coding change: c.608G>C on transcript NM_001008212.2 (MANE Select); coding-DNA position 608, G replaced by C.
Protein change: p.Arg203Thr; replaces arginine 203 with threonine.
Molecular consequence: missense variant.
Genome position (GRCh38, 1-based): chr10:13,116,322, G>C. VCF-style: chr10-13116322-G-C. GRCh37 (hg19) VCF-style: chr10-13158322-G-C.
Other names: c.608G>C, p.Arg203Thr (NM_001008211.1, NM_001008213.1, NM_021980.4); short protein forms R203T.
Identifiers: ClinVar variation 2631884 (VCV002631884.1), dbSNP rs1373831688, ClinGen allele CA376028287.